The following is an entry in ClinVar:

NM_003325.4(HIRA):c.1257G>A (p.Ala419=)

Gene: HIRA (histone cell cycle regulator; minus strand). Cytogenetic location: 22q11.21.
Variant type: single nucleotide variant.
Coding change: c.1257G>A on transcript NM_003325.4 (MANE Select); coding-DNA position 1257, G replaced by A.
Protein change: p.Ala419=; no amino-acid change (alanine 419 retained).
Molecular consequence: synonymous variant.
Genome position (GRCh38, 1-based): chr22:19,385,593, C>T on the plus strand (G>A on the coding strand, the complement: HIRA is on the minus strand). VCF-style: chr22-19385593-C-T. GRCh37 (hg19) VCF-style: chr22-19373116-C-T.
Identifiers: ClinVar variation 4821700 (VCV004821700.4).
Genomic context (GRCh38, chr22:19,385,593, plus strand): 5'-TTCAAGACTCTCCCCGTTGACAACGCCTGCGACTGAGGTGGCTGAGCCCATCTCCCTGGT[C>T]GCAGCACTCTTCTGGTCCAGCTGCTGCTGCTGCTGCCTTCGCTGGTACTTGAGCATCTCA-3'
Protein context (NP_003316.3, residues 409-429): QQQQLDQKSA[Ala419=]TREMGSATSV

ClinVar aggregate classification (germline): Likely benign (1 of 4 stars; one submission).

gnomAD v4.1: 50 of 1,614,056 alleles (0.0031%); highest among the groups gnomAD compares: South Asian, 0.0088%; no homozygotes.

Submission:

CeGaT Center for Human Genetics Tuebingen
Classification: Likely benign. Last evaluated: 2026-01-01. Review status: criteria provided, single submitter. Criteria: CeGaT Center For Human Genetics Tuebingen Variant Classification Criteria Version 2. Collection method: clinical testing. Allele origin: germline. Affected: yes. Observed: 1 variant allele.
Comment: HIRA: BP4, BP7